The following is an entry in ClinVar:

ClinVar aggregate classification (germline): Uncertain significance (1 of 4 stars; one submission).

Conditions:
Polycystic kidney disease, adult type (PKD1). Also called: Polycystic Kidney Disease 1, Autosomal Dominant; Polycystic kidney disease 1; Polycystic kidney disease 1, severe; Polycystic Kidney, Autosomal Dominant; POLYCYSTIC KIDNEY DISEASE 1 WITH OR WITHOUT POLYCYSTIC LIVER DISEASE; POLYCYSTIC KIDNEY DISEASE, ADULT, TYPE I. Identifiers: MedGen C3149841, MONDO:0008263, OMIM 173900.

Submission:

MVZ Medizinische Genetik Mainz
Classification: Uncertain significance for Polycystic kidney disease, adult type. Last evaluated: 2023-08-15. Review status: criteria provided, single submitter. Criteria: UK Practice Guidelines For Variant Classification V4 01 2020. Collection method: clinical testing. Allele origin: germline. Inheritance: Autosomal dominant inheritance. Affected: yes. Observed: 1 variant allele.
Comment: ACMG Criteria: PM2_SUP,PP3,PP4

NM_001009944.3(PKD1):c.8355C>T (p.Gly2785=)

Gene: PKD1 (polycystin 1, transient receptor potential channel interacting; minus strand). Cytogenetic location: 16p13.3.
Variant type: single nucleotide variant.
Coding change: c.8355C>T on transcript NM_001009944.3 (MANE Select); coding-DNA position 8355, C replaced by T.
Protein change: p.Gly2785=; no amino-acid change (glycine 2785 retained).
Molecular consequence: synonymous variant.
Genome position (GRCh38, 1-based): chr16:2,103,702, G>A on the plus strand (C>T on the coding strand, the complement: PKD1 is on the minus strand). VCF-style: chr16-2103702-G-A. GRCh37 (hg19) VCF-style: chr16-2153703-G-A.
Other names: c.8355C>T, p.Gly2785= (NM_000296.4).
Identifiers: ClinVar variation 3236237 (VCV003236237.1), dbSNP rs2544745305, ClinGen allele CA493046398.